The following is an entry in ClinVar:

ClinVar aggregate classification (germline): Uncertain significance (1 of 4 stars; one submission).

gnomAD v4.1: 7 of 1,362,834 alleles (0.00051%); highest among the groups gnomAD compares: Non-Finnish European, 0.00069%; no homozygotes.

Submission:

Women's Health and Genetics/Laboratory Corporation of America, LabCorp
Classification: Uncertain significance. Last evaluated: 2023-10-26. Review status: criteria provided, single submitter. Criteria: LabCorp Variant Classification Summary - May 2015. Collection method: clinical testing. Allele origin: germline.
Comment: Variant summary: FAT2 c.3214C>A (p.Arg1072Ser) results in a non-conservative amino acid change located in the Cadherin-like domain (IPR002126) of the encoded protein sequence. Four of five in-silico tools predict a damaging effect of the variant on protein function. The variant was absent in 249708 control chromosomes. The available data on variant occurrences in the general population are insufficient to allow any conclusion about variant significance. To our knowledge, no occurrence of c.3214C>A in individuals affected with Spinocerebellar Ataxia 45 and no experimental evidence demonstrating its impact on protein function have been reported. No submitters have cited clinical-significance assessments for this variant to ClinVar after 2014. Based on the evidence outlined above, the variant was classified as uncertain significance.

NM_001447.3(FAT2):c.3214C>A (p.Arg1072Ser)

Gene: FAT2 (FAT atypical cadherin 2; minus strand). Cytogenetic location: 5q33.1.
Variant type: single nucleotide variant.
Coding change: c.3214C>A on transcript NM_001447.3 (MANE Select); coding-DNA position 3214, C replaced by A.
Protein change: p.Arg1072Ser; replaces arginine 1072 with serine.
Molecular consequence: missense variant.
Genome position (GRCh38, 1-based): chr5:151,565,718, G>T on the plus strand (C>A on the coding strand, the complement: FAT2 is on the minus strand). VCF-style: chr5-151565718-G-T. GRCh37 (hg19) VCF-style: chr5-150945279-G-T.
Other names: short protein forms R1072S.
Identifiers: ClinVar variation 2637487 (VCV002637487.1), dbSNP rs376802525, ClinGen allele CA361850096.